The following is an entry in ClinVar:

ClinVar aggregate classification (germline): Likely pathogenic (1 of 4 stars; one submission).

Conditions:
Citrullinemia. Identifiers: Orphanet 187, MedGen C0175683, MONDO:0015991.

Submission:

Natera, Inc.
Classification: Likely pathogenic for Citrullinemia. Last evaluated: 2024-07-31. Review status: criteria provided, single submitter. Criteria: Natera Variant Classification Schema (03/2026). Collection method: clinical testing. Allele origin: germline.
Comment: The c.328+1G>C variant in SLC25A13 is a canonical splice donor site variant predicted to affect pre-mRNA splicing, which may result in an abnormal transcript and altered protein product. This variant is expected to result in nonsense mediated decay, truncation, or a dysfunctional protein product. This variant is rare in the general population with a frequency below the threshold expected for the associated phenotype(s). Given the available evidence, this variant is classified as Likely Pathogenic.

NM_014251.3(SLC25A13):c.328+1G>C

Gene: SLC25A13 (solute carrier family 25 member 13; minus strand). Cytogenetic location: 7q21.3.
Variant type: single nucleotide variant.
Coding change: c.328+1G>C on transcript NM_014251.3 (MANE Select); the canonical splice donor site of the intron after coding-DNA position 328, G replaced by C.
Molecular consequence: splice donor variant.
Genome position (GRCh38, 1-based): chr7:96,234,801, C>G on the plus strand (G>C on the coding strand, the complement: SLC25A13 is on the minus strand). VCF-style: chr7-96234801-C-G. GRCh37 (hg19) VCF-style: chr7-95864113-C-G.
Other names: c.328+1G>C (NM_001160210.2).
Identifiers: ClinVar variation 4815640 (VCV004815640.1).
Genomic context (GRCh38, chr7:96,234,801, plus strand): 5'-AAAAGAAAATGCTCACACAAGTCCACACTTACACAGACGTGCACAGAAGCATGCTTCTTA[C>G]CAAAAGTTACTTCTCCTTTGCCAGCTTTGTCAAACAGCTGAAAGGCTACCATAAACAAAG-3'